The following is an entry in ClinVar:

ClinVar aggregate classification (germline): Pathogenic (1 of 4 stars; one submission).

Submission:

Labcorp Genetics (formerly Invitae), Labcorp
Classification: Pathogenic. Last evaluated: 2022-02-01. Review status: criteria provided, single submitter. Criteria: Invitae Variant Classification Sherloc (09022015). Collection method: clinical testing. Allele origin: germline.
Comment: This variant has not been reported in the literature in individuals affected with HK1-related conditions. For these reasons, this variant has been classified as Pathogenic. This sequence change creates a premature translational stop signal (p.Arg794*) in the HK1 gene. It is expected to result in an absent or disrupted protein product. Loss-of-function variants in HK1 are known to be pathogenic (PMID: 11783948, 12211198, 31119733). This variant is not present in population databases (gnomAD no frequency).

Literature cited by the submitters: PubMed 11783948; PubMed 12211198; PubMed 31119733.

NM_000188.3(HK1):c.2380C>T (p.Arg794Ter)

Gene: HK1 (hexokinase 1; plus strand). Cytogenetic location: 10q22.1.
Variant type: single nucleotide variant.
Coding change: c.2380C>T on transcript NM_000188.3 (MANE Select); coding-DNA position 2380, C replaced by T.
Protein change: p.Arg794Ter; replaces arginine 794 with a stop codon.
Molecular consequence: nonsense.
Genome position (GRCh38, 1-based): chr10:69,398,599, C>T. VCF-style: chr10-69398599-C-T. GRCh37 (hg19) VCF-style: chr10-71158355-C-T.
Other names: c.2392C>T, p.Arg798Ter (NM_001322364.2, NM_001358263.1, NM_033497.3 and 1 more transcripts); c.2485C>T, p.Arg829Ter (NM_001322365.2); c.2296C>T, p.Arg766Ter (NM_001322366.1); c.2284C>T, p.Arg762Ter (NM_001322367.1); c.2377C>T, p.Arg793Ter (NM_033496.3); c.2344C>T, p.Arg782Ter (NM_033500.2); short protein forms R782*, R793*, R766*, R794*, R762*, R798*, R829*.
Identifiers: ClinVar variation 1442714 (VCV001442714.6), dbSNP rs2132973641, ClinGen allele CA376916434.